The following is an entry in ClinVar:

NM_019098.5(CNGB3):c.2158_2161del (p.Gln720fs)

Gene: CNGB3 (cyclic nucleotide gated channel subunit beta 3; minus strand). Cytogenetic location: 8q21.3.
Variant type: Deletion.
Coding change: c.2158_2161del on transcript NM_019098.5 (MANE Select); coding-DNA positions 2158 to 2161, 4 bases deleted (CAAA; older notation c.2158_2161delCAAA).
Protein change: p.Gln720fs; shifts the reading frame from glutamine 720.
Molecular consequence: frameshift variant.
Genome position (GRCh38, 1-based): chr8:86,576,073-86,576,076, TTTG deleted on the plus strand (CAAA on the coding strand, the reverse complement: CNGB3 is on the minus strand); deleting any 4 consecutive bases within chr8:86,576,073-86,576,079 gives the same sequence; the c. name uses the placement nearest the transcript's 3' end. VCF-style (leftmost placement, unchanged base first): chr8-86576072-TTTTG-T. GRCh37 (hg19) VCF-style: chr8-87588300-TTTTG-T.
Other names: short protein forms Q720fs.
Identifiers: ClinVar variation 4816018 (VCV004816018.1).

ClinVar aggregate classification (germline): Likely pathogenic (1 of 4 stars; one submission).

Conditions:
Achromatopsia. Also called: Rod monochromatism. Identifiers: Orphanet 49382, MedGen C0152200, MONDO:0018852, HP:0011516.

Submission:

Natera, Inc.
Classification: Likely pathogenic for Achromatopsia. Last evaluated: 2024-03-11. Review status: criteria provided, single submitter. Criteria: Natera Variant Classification Schema (03/2026). Collection method: clinical testing. Allele origin: germline.
Comment: The c.2158_2161delCAAA variant in CNGB3 is a frameshift variant predicted to elongate the protein beyond the termination codon. This variant is expected to result in nonsense mediated decay, truncation, or a dysfunctional protein product. This variant is rare in the general population with a frequency below the threshold expected for the associated phenotype(s). Given the available evidence, this variant is classified as Likely Pathogenic.